The following is an entry in ClinVar:

NM_139057.4(ADAMTS17):c.1597G>A (p.Val533Met)

Gene: ADAMTS17 (ADAM metallopeptidase with thrombospondin type 1 motif 17; minus strand). Cytogenetic location: 15q26.3.
Variant type: single nucleotide variant.
Coding change: c.1597G>A on transcript NM_139057.4 (MANE Select); coding-DNA position 1597, G replaced by A.
Protein change: p.Val533Met; replaces valine 533 with methionine.
Molecular consequence: missense variant.
Genome position (GRCh38, 1-based): chr15:100,132,131, C>T on the plus strand (G>A on the coding strand, the complement: ADAMTS17 is on the minus strand). VCF-style: chr15-100132131-C-T. GRCh37 (hg19) VCF-style: chr15-100672336-C-T.
Other names: c.1597G>A (NM_139057.2); short protein forms V533M.
Identifiers: ClinVar variation 1506684 (VCV001506684.6), dbSNP rs377108599, ClinGen allele CA7758154.

ClinVar aggregate classification (germline): Uncertain significance. Review status: criteria provided, multiple submitters, no conflicts (2 of 4 stars). 4 submissions from 4 submitters: Uncertain significance (4). Last evaluated 2025-07-10.

Conditions:
Inborn genetic diseases. Identifiers: MedGen C0950123, MeSH D030342.
Weill-Marchesani 4 syndrome, recessive. Also called: Weill-Marchesani syndrome 4. Identifiers: Orphanet 363992, MedGen C2750787, MONDO:0013176, OMIM 613195.

Allele frequency attached by ClinVar (database versions not stated): ExAC 0.00003; gnomAD 0.00005; gnomAD exomes 0.00005 and 0.00007; ESP Exome Variant Server 0.00008; 1000 Genomes Project 30x 0.00016; 1000 Genomes Project 0.00020.
gnomAD v4.1: 85 of 1,613,874 alleles (0.0053%); highest among the groups gnomAD compares: Admixed American, 0.017%; 1 homozygote.

Submissions (4):

GeneDx
Classification: Uncertain significance. Last evaluated: 2025-07-10. Review status: criteria provided, single submitter. Criteria: GeneDx Variant Classification Process June 2021. Collection method: clinical testing. Allele origin: germline. Affected: yes.
Comment: In silico analysis suggests that this missense variant does not alter protein structure/function; Has not been previously published as pathogenic or benign to our knowledge

Ambry Genetics
Classification: Uncertain significance for Inborn genetic diseases. Last evaluated: 2024-05-16. Review status: criteria provided, single submitter. Criteria: Ambry Variant Classification Scheme 2023. Collection method: clinical testing. Allele origin: germline.

Fulgent Genetics
Classification: Uncertain significance for Weill-Marchesani 4 syndrome, recessive. Last evaluated: 2024-05-01. Review status: criteria provided, single submitter. Criteria: ACMG Guidelines, 2015. Collection method: clinical testing. Allele origin: germline.

Labcorp Genetics (formerly Invitae), Labcorp
Classification: Uncertain significance. Last evaluated: 2022-03-15. Review status: criteria provided, single submitter. Criteria: Invitae Variant Classification Sherloc (09022015). Collection method: clinical testing. Allele origin: germline.
Comment: This sequence change replaces valine, which is neutral and non-polar, with methionine, which is neutral and non-polar, at codon 533 of the ADAMTS17 protein (p.Val533Met). This variant is present in population databases (rs377108599, gnomAD 0.02%). This variant has not been reported in the literature in individuals affected with ADAMTS17-related conditions. Algorithms developed to predict the effect of missense changes on protein structure and function are either unavailable or do not agree on the potential impact of this missense change (SIFT: "Not Available"; PolyPhen-2: "Possibly Damaging"; Align-GVGD: "Not Available"). In summary, the available evidence is currently insufficient to determine the role of this variant in disease. Therefore, it has been classified as a Variant of Uncertain Significance.